The following is an entry in ClinVar:

ClinVar aggregate classification (germline): Uncertain significance (1 of 4 stars; one submission).

gnomAD v4.1: 7 of 1,613,450 alleles (0.00043%); highest among the groups gnomAD compares: Middle Eastern, 0.016%; no homozygotes.

Submission:

Women's Health and Genetics/Laboratory Corporation of America, LabCorp
Classification: Uncertain significance. Last evaluated: 2024-11-15. Review status: criteria provided, single submitter. Criteria: LabCorp Variant Classification Summary - May 2015. Collection method: clinical testing. Allele origin: germline.
Comment: Variant summary: HSD17B3 c.188C>T (p.Ala63Val) results in a non-conservative amino acid change located in the NAD(P)-binding Rossmann-fold domain (IPR036291) of the encoded protein sequence. Five of five in-silico tools predict a damaging effect of the variant on protein function. The variant allele was found at a frequency of 4e-06 in 251412 control chromosomes. c.188C>T has been reported in the literature in one individual affected with Testosterone 17-beta-dehydrogenase deficiency (example, Fujisawa_2023). These data do not allow any conclusion about variant significance. At least one publication reports experimental evidence evaluating an impact on protein function. The most pronounced variant effect results in about 14% of normal activity in HEK293 cells (Fujisawa_2023). The following publication have been ascertained in the context of this evaluation (PMID: 37741351). No submitters have cited clinical-significance assessments for this variant to ClinVar. Based on the evidence outlined above, the variant was classified as VUS-possibly pathogenic.

Literature cited by the submitters: PubMed 37741351.

NM_000197.2(HSD17B3):c.188C>T (p.Ala63Val)

Genes: HSD17B3 (hydroxysteroid 17-beta dehydrogenase 3; minus strand), SLC35D2-HSD17B3 (SLC35D2-HSD17B3 readthrough; minus strand). Cytogenetic location: 9q22.32.
Variant type: single nucleotide variant.
Coding change: c.188C>T on transcript NM_000197.2 (MANE Select); coding-DNA position 188, C replaced by T.
Protein change: p.Ala63Val; replaces alanine 63 with valine.
Molecular consequence: missense variant. On other transcripts: non-coding transcript variant (1).
Genome position (GRCh38, 1-based): chr9:96,298,429, G>A on the plus strand (C>T on the coding strand, the complement: HSD17B3 is on the minus strand). VCF-style: chr9-96298429-G-A. GRCh37 (hg19) VCF-style: chr9-99060711-G-A.
Other names: short protein forms A63V.
Identifiers: ClinVar variation 3629618 (VCV003629618.1).